The following is an entry in ClinVar:

ClinVar aggregate classification (germline): Likely benign (1 of 4 stars; one submission).

gnomAD v4.1: 1 of 1,581,842 alleles (0.000063%); highest among the groups gnomAD compares: South Asian, 0.0012%; no homozygotes.

Submission:

CeGaT Center for Human Genetics Tuebingen
Classification: Likely benign. Last evaluated: 2026-08-01. Review status: criteria provided, single submitter. Criteria: CeGaT Center For Human Genetics Tuebingen Variant Classification Criteria Version 2. Collection method: clinical testing. Allele origin: germline. Affected: yes. Observed: 1 variant allele.
Comment: ITPR1: BP4, BP7

NM_001378452.1(ITPR1):c.327A>G (p.Lys109=)

Gene: ITPR1 (inositol 1,4,5-trisphosphate receptor type 1; plus strand). Cytogenetic location: 3p26.1.
Variant type: single nucleotide variant.
Coding change: c.327A>G on transcript NM_001378452.1 (MANE Select); coding-DNA position 327, A replaced by G.
Protein change: p.Lys109=; no amino-acid change (lysine 109 retained).
Molecular consequence: synonymous variant.
Genome position (GRCh38, 1-based): chr3:4,639,431, A>G. VCF-style: chr3-4639431-A-G. GRCh37 (hg19) VCF-style: chr3-4681115-A-G.
Other names: c.327A>G, p.Lys109= (NM_001099952.4, NM_001168272.2, NM_002222.7).
Identifiers: ClinVar variation 5040546 (VCV005040546.1).